The following is an entry in ClinVar:

ClinVar aggregate classification (germline): Uncertain significance (1 of 4 stars; one submission).

Submission:

Greenwood Genetic Center Diagnostic Laboratories, Greenwood Genetic Center
Classification: Uncertain significance. Last evaluated: 2024-05-08. Review status: criteria provided, single submitter. Criteria: ACMG Guidelines, 2015. Collection method: clinical testing. Allele origin: germline. Affected: yes.
Comment: PM2, PP3

NM_002458.3(MUC5B):c.1304C>T (p.Thr435Ile)

Gene: MUC5B (mucin 5B, oligomeric mucus/gel-forming; plus strand). Cytogenetic location: 11p15.5.
Variant type: single nucleotide variant.
Coding change: c.1304C>T on transcript NM_002458.3 (MANE Select); coding-DNA position 1304, C replaced by T.
Protein change: p.Thr435Ile; replaces threonine 435 with isoleucine.
Molecular consequence: missense variant.
Genome position (GRCh38, 1-based): chr11:1,230,088, C>T. VCF-style: chr11-1230088-C-T. GRCh37 (hg19) VCF-style: chr11-1251318-C-T.
Other names: short protein forms T435I.
Identifiers: ClinVar variation 3338492 (VCV003338492.1).